The following is an entry in ClinVar:

NM_017934.7(PHIP):c.2071C>T (p.Arg691Cys)

Gene: PHIP (PHIP subunit of CUL4-Ring ligase complex; minus strand). Cytogenetic location: 6q14.1.
Variant type: single nucleotide variant.
Coding change: c.2071C>T on transcript NM_017934.7 (MANE Select); coding-DNA position 2071, C replaced by T.
Protein change: p.Arg691Cys; replaces arginine 691 with cysteine.
Molecular consequence: missense variant.
Genome position (GRCh38, 1-based): chr6:78,997,544, G>A on the plus strand (C>T on the coding strand, the complement: PHIP is on the minus strand). VCF-style: chr6-78997544-G-A. GRCh37 (hg19) VCF-style: chr6-79707261-G-A.
Other names: short protein forms R691C.
Identifiers: ClinVar variation 2580740 (VCV002580740.1), dbSNP rs1769698925, ClinGen allele CA364630435.

ClinVar aggregate classification (germline): Uncertain significance (1 of 4 stars; one submission).

Allele frequency attached by ClinVar (database versions not stated): gnomAD exomes below 0.00001; gnomAD 0.00001.
gnomAD v4.1: 6 of 1,613,750 alleles (0.00037%); highest among the groups gnomAD compares: African/African-American, 0.0013%; no homozygotes.

Submission:

GeneDx
Classification: Uncertain significance. Last evaluated: 2023-03-24. Review status: criteria provided, single submitter. Criteria: GeneDx Variant Classification Process June 2021. Collection method: clinical testing. Allele origin: germline. Affected: yes.
Comment: Identified in a patient with a neurodevelopmental disorder (Wang T et al., 2020); Not observed at significant frequency in large population cohorts (gnomAD); In silico analysis supports that this missense variant has a deleterious effect on protein structure/function; This variant is associated with the following publications: (PMID: 33004838)